The following is an entry in ClinVar:

ClinVar aggregate classification (germline): Uncertain significance (1 of 4 stars; one submission).

Submission:

GeneDx
Classification: Uncertain significance. Last evaluated: 2025-07-28. Review status: criteria provided, single submitter. Criteria: GeneDx Variant Classification Process June 2021. Collection method: clinical testing. Allele origin: germline. Affected: yes.
Comment: Not observed at significant frequency in large population cohorts (gnomAD); In silico analysis supports that this missense variant has a deleterious effect on protein structure/function; Has not been previously published as pathogenic or benign to our knowledge

NM_002397.5(MEF2C):c.758C>A (p.Pro253Gln)

Gene: MEF2C (myocyte enhancer factor 2C; minus strand). Cytogenetic location: 5q14.3.
Variant type: single nucleotide variant.
Coding change: c.758C>A on transcript NM_002397.5 (MANE Select); coding-DNA position 758, C replaced by A.
Protein change: p.Pro253Gln; replaces proline 253 with glutamine.
Molecular consequence: missense variant.
Genome position (GRCh38, 1-based): chr5:88,731,781, G>T on the plus strand (C>A on the coding strand, the complement: MEF2C is on the minus strand). VCF-style: chr5-88731781-G-T. GRCh37 (hg19) VCF-style: chr5-88027598-G-T.
Other names: c.752C>A, p.Pro251Gln (NM_001131005.2, NM_001364343.2, NM_001364352.2); c.812C>A, p.Pro271Gln (NM_001193347.1, NM_001364338.2); c.614C>A, p.Pro205Gln (NM_001193348.1, NM_001193349.3, NM_001364332.2 and 3 more transcripts); c.758C>A, p.Pro253Gln (NM_001193350.2, NM_001308002.3, NM_001363581.2 and 18 more transcripts); c.380C>A, p.Pro127Gln (NM_001364353.2, NM_001364356.2); c.332C>A, p.Pro111Gln (NM_001364357.2); short protein forms P111Q, P127Q, P205Q, P251Q, P253Q, P271Q.
Identifiers: ClinVar variation 4690083 (VCV004690083.1).